The following is an entry in ClinVar:

NM_000053.4(ATP7B):c.3557-8C>A

Gene: ATP7B (ATPase copper transporting beta; minus strand). Cytogenetic location: 13q14.3.
Variant type: single nucleotide variant.
Coding change: c.3557-8C>A on transcript NM_000053.4 (MANE Select); 8 bases into the intron before coding-DNA position 3557, C replaced by A.
Molecular consequence: intron variant.
Genome position (GRCh38, 1-based): chr13:51,939,201, G>T on the plus strand (C>A on the coding strand, the complement: ATP7B is on the minus strand). VCF-style: chr13-51939201-G-T. GRCh37 (hg19) VCF-style: chr13-52513337-G-T.
Other names: c.3071-8C>A (NM_001406541.1, NM_001406542.1); c.3305-8C>A (NM_001406531.1, NM_001406532.1, NM_001330579.2); c.3323-8C>A (NM_001406527.1, NM_001406528.1, NM_001330578.2); c.3218-8C>A (NM_001406537.1); c.3413-8C>A (NM_001406521.1, NM_001406522.1, NM_001406520.1); c.3551-8C>A (NM_001406513.1); c.3557-8C>A (NM_001406511.1, NM_001406512.1, NM_001406526.1); c.3065-8C>A (NM_001406543.1); and 20 more.
Identifiers: ClinVar variation 3893201 (VCV003893201.1).
Genomic context (GRCh38, chr13:51,939,201, plus strand): 5'-GGCAGCCTCCTGCTTGACAGCGTCTGCGATTGCGATCATCCCACAGAGCACACCTGGAGC[G>T]AACCAGCCAGCATCAGCAGCTACACAAGTTGGGGCACCCCGCACCAAGATACCACACTTG-3'

ClinVar aggregate classification (germline): Uncertain significance (1 of 4 stars; one submission).

Conditions:
Wilson disease (WND). Also called: Wilson's disease. Identifiers: Orphanet 905, MedGen C0019202, MONDO:0010200, OMIM 277900. Disease mechanism: loss of function.

Submission:

Dr. Moinak Lab, Sanjay Gandhi Postgraduate Institute of Medical Sciences
Classification: Uncertain significance for Wilson disease. Last evaluated: 2024-10-25. Review status: criteria provided, single submitter. Criteria: ACMG Guidelines, 2015. Collection method: clinical testing. Allele origin: germline. Inheritance: Autosomal recessive inheritance. Affected: yes. Observed: 1 compound heterozygote.
Comment: A novel variant in intron 16 of the ATP7B gene involves a single nucleotide substitution from C to A at position 3557-8, located within the splice acceptor region, and is classified as a splice site variant

Literature cited by the submitters: PubMed 20301685.